The following is an entry in ClinVar:

NM_001144967.3(NEDD4L):c.2656-8G>A

Gene: NEDD4L (NEDD4 like E3 ubiquitin protein ligase; plus strand). Cytogenetic location: 18q21.31.
Variant type: single nucleotide variant.
Coding change: c.2656-8G>A on transcript NM_001144967.3 (MANE Select); 8 bases into the intron before coding-DNA position 2656, G replaced by A.
Molecular consequence: intron variant.
Genome position (GRCh38, 1-based): chr18:58,390,638, G>A. VCF-style: chr18-58390638-G-A. GRCh37 (hg19) VCF-style: chr18-56057870-G-A.
Other names: c.2596-8G>A (NM_015277.6); c.2464-8G>A (NM_001243960.2); c.2293-8G>A (NM_001144964.1, NM_001144965.2, NM_001144966.3); c.2233-8G>A (NM_001144971.2, NM_001144970.3); c.2632-8G>A (NM_001144968.2); c.2572-8G>A (NM_001144969.2).
Identifiers: ClinVar variation 701732 (VCV000701732.10), dbSNP rs772361229, ClinGen allele CA8976031.
Genomic context (GRCh38, chr18:58,390,638, plus strand): 5'-CCTGCATGACAGCAGCATGTGCCATGGGTCACGTGGGGGGTATAATGACCTTCTGCCTCT[G>A]TTCATAGGCTGTGCTACTCATGGACGCCGAAAAGCGTATCCGGTTACTGCAGTTTGTCAC-3'

ClinVar aggregate classification (germline): Likely benign. Review status: criteria provided, single submitter (1 of 4 stars). 2 submissions from 2 submitters: Likely benign (1). 1 of the submissions does not count toward it. Last evaluated 2024-01-30.

Conditions:
NEDD4L-related disorder. Also called: NEDD4L-related condition.

Allele frequency attached by ClinVar (database versions not stated): gnomAD 0.00005 and 0.00006; TOPMed 0.00006.
gnomAD v4.1: 195 of 1,571,644 alleles (0.012%); highest among the groups gnomAD compares: Non-Finnish European, 0.016%; no homozygotes.

Submissions (2):

Labcorp Genetics (formerly Invitae), Labcorp
Classification: Likely benign. Last evaluated: 2024-01-30. Review status: criteria provided, single submitter. Criteria: Invitae Variant Classification Sherloc (09022015). Collection method: clinical testing. Allele origin: germline.

PreventionGenetics, part of Exact Sciences
Classification: Likely benign for NEDD4L-related condition. Last evaluated: 2020-10-12. Review status: no assertion criteria provided. Collection method: clinical testing. Allele origin: germline. Not counted in ClinVar's aggregate classification.
Comment: This variant is classified as likely benign based on ACMG/AMP sequence variant interpretation guidelines (Richards et al. 2015 PMID: 25741868, with internal and published modifications).